The following is an entry in ClinVar:

NM_000377.3(WAS):c.1266del (p.Gly424fs)

Gene: WAS (WASP actin nucleation promoting factor; plus strand). Cytogenetic location: Xp11.23.
Variant type: Deletion.
Coding change: c.1266del on transcript NM_000377.3 (MANE Select); coding-DNA position 1266, one base deleted (C; older notation c.1266delC).
Protein change: p.Gly424fs; shifts the reading frame from glycine 424.
Molecular consequence: frameshift variant.
Genome position (GRCh38, 1-based): chrX:48,688,994, C deleted; the last of 2 consecutive C bases (chrX:48,688,993-48,688,994); deleting either gives the same sequence. VCF-style (leftmost placement, unchanged base first): chrX-48688992-GC-G. GRCh37 (hg19) VCF-style: chrX-48547381-GC-G.
Other names: short protein forms G424fs.
Identifiers: ClinVar variation 2022929 (VCV002022929.4), dbSNP rs2519288079, ClinGen allele CA2580101067.

ClinVar aggregate classification (germline): Pathogenic (1 of 4 stars; one submission).

Conditions:
X-linked severe congenital neutropenia (SCNX). Identifiers: Orphanet 86788, MedGen C1845987, MONDO:0010294, OMIM 300299.
Thrombocytopenia 1. Also called: X-Linked Thrombocytopenia (XLT); X-linked thrombocytopenia with normal platelets; THROMBOCYTOPENIA, X-LINKED, 1. Identifiers: Orphanet 268322, Orphanet 852, MedGen C1839163, MONDO:0010743, OMIM 313900.
Wiskott-Aldrich syndrome (WAS). Also called: ALDRICH SYNDROME; IMMUNODEFICIENCY 2; WISKOTT-ALDRICH SYNDROME 1; Wiskott-aldrich syndrome, somatic. Identifiers: Orphanet 906, MedGen C0043194, MONDO:0010518, OMIM 301000.

Submission:

Labcorp Genetics (formerly Invitae), Labcorp
Classification: Pathogenic for Wiskott-Aldrich syndrome; X-linked severe congenital neutropenia; Thrombocytopenia 1. Last evaluated: 2022-12-04. Review status: criteria provided, single submitter. Criteria: Invitae Variant Classification Sherloc (09022015). Collection method: clinical testing. Allele origin: germline.
Comment: This sequence change creates a premature translational stop signal (p.Gly424Alafs*21) in the WAS gene. It is expected to result in an absent or disrupted protein product. Loss-of-function variants in WAS are known to be pathogenic (PMID: 15284122). This variant is not present in population databases (gnomAD no frequency). This variant has not been reported in the literature in individuals affected with WAS-related conditions. For these reasons, this variant has been classified as Pathogenic.

Literature cited by the submitters: PubMed 15284122.